The following is an entry in ClinVar:

ClinVar aggregate classification (germline): Uncertain significance (1 of 4 stars; one submission).

Conditions:
Inborn genetic diseases. Identifiers: MedGen C0950123, MeSH D030342.

gnomAD v4.1: 1 of 1,613,094 alleles (0.000062%); highest among the groups gnomAD compares: Non-Finnish European, 0.000085%; no homozygotes.

Submission:

Ambry Genetics
Classification: Uncertain significance for Inborn genetic diseases. Last evaluated: 2025-06-22. Review status: criteria provided, single submitter. Criteria: Ambry Variant Classification Scheme 2023. Collection method: clinical testing. Allele origin: germline.
Comment: The p.Y823H variant (also known as c.2467T>C), located in coding exon 22 of the ANKRD26 gene, results from a T to C substitution at nucleotide position 2467. The tyrosine at codon 823 is replaced by histidine, an amino acid with similar properties. This amino acid position is conserved. In addition, this alteration is predicted to be tolerated by in silico analysis. Based on the available evidence, the clinical significance of this variant remains unclear.

NM_014915.3(ANKRD26):c.2467T>C (p.Tyr823His)

Gene: ANKRD26 (ankyrin repeat domain containing 26; minus strand). Cytogenetic location: 10p12.1.
Variant type: single nucleotide variant.
Coding change: c.2467T>C on transcript NM_014915.3 (MANE Select); coding-DNA position 2467, T replaced by C.
Protein change: p.Tyr823His; replaces tyrosine 823 with histidine.
Molecular consequence: missense variant.
Genome position (GRCh38, 1-based): chr10:27,037,963, A>G on the plus strand (T>C on the coding strand, the complement: ANKRD26 is on the minus strand). VCF-style: chr10-27037963-A-G. GRCh37 (hg19) VCF-style: chr10-27326892-A-G.
Other names: c.2464T>C, p.Tyr822His (NM_001256053.2); short protein forms Y823H, Y822H.
Identifiers: ClinVar variation 4102891 (VCV004102891.1).
Genomic context (GRCh38, chr10:27,037,963, plus strand): 5'-CCATCTCCAGTGTTTGGAGACTCAGTTCAAGCTGTTGTTTCACTTCAACTTCTTTCCTAT[A>G]TTGCTCTTCTTTTCTTCTTAACTGTTCCCTAATTTTTTCATACAACGTATCAGCATTTCT-3'
Protein context (NP_055730.2, residues 813-833): REQLRRKEEQ[Tyr823His]RKEVEVKQQL